The following is an entry in ClinVar:

ClinVar aggregate classification (germline): Pathogenic/Likely pathogenic. Review status: criteria provided, multiple submitters, no conflicts (2 of 4 stars). 15 submissions from 15 submitters: Pathogenic (12); Likely pathogenic (1). 2 of the submissions do not count toward it. Last evaluated 2025-07-13.

Conditions:
Intellectual disability-severe speech delay-mild dysmorphism syndrome (IDDLA). Also called: Mental retardation with language impairment and autistic features; FOXP1 Syndrome; Intellectual developmental disorder with language impairment AND with or without autistic features. Identifiers: Orphanet 391372, MedGen C4013764, MONDO:0013352, OMIM 613670.
Inborn genetic diseases. Identifiers: MedGen C0950123, MeSH D030342.
FOXP1-related disorders.

Submissions 1 to 9 of 15:

Labcorp Genetics (formerly Invitae), Labcorp
Classification: Pathogenic. Last evaluated: 2025-07-13. Review status: criteria provided, single submitter. Criteria: Invitae Variant Classification Sherloc (09022015). Collection method: clinical testing. Allele origin: germline.
Comment: This sequence change replaces arginine, which is basic and polar, with glutamine, which is neutral and polar, at codon 525 of the FOXP1 protein (p.Arg525Gln). This variant is not present in population databases (gnomAD no frequency). This missense change has been observed in individual(s) with clinical features of FOXP1-related conditions (PMID: 27657687, 30385778). In at least one individual the variant was observed to be de novo. ClinVar contains an entry for this variant (Variation ID: 521111). Invitae Evidence Modeling of protein sequence and biophysical properties (such as structural, functional, and spatial information, amino acid conservation, physicochemical variation, residue mobility, and thermodynamic stability) indicates that this missense variant is expected to disrupt FOXP1 protein function with a positive predictive value of 80%. Experimental studies have shown that this missense change affects FOXP1 function (PMID: 30385778). For these reasons, this variant has been classified as Pathogenic.

Dasa
Classification: Pathogenic. Last evaluated: 2025-02-09. Review status: criteria provided, single submitter. Criteria: DASA Assertion Criteria. Collection method: clinical testing. Allele origin: germline.
Comment: NM_001349338.3(FOXP1):c.1574G>A (p.Arg525Gln) is a missense variant that results in the substitution of arginine with glutamine. The affected residue or protein region has prior evidence supporting clinical relevance. De novo occurrence has been reported in an individual with related phenotype. Functional evidence supports a deleterious effect on the gene or gene product (PMID: 30385778; PMID: 34588003; PMID: 28884888; PMID: 31199603). This variant has been recurrently observed in individuals with related phenotype (PMID: 30385778; PMID: 34588003; PMID: 28884888; PMID: 31199603). Multiple computational predictions support a deleterious effect on the gene or gene product. The variant is present at low frequency in population datasets. Based on the available data, this variant is classified as pathogenic.

3billion
Classification: Pathogenic for Intellectual disability-severe speech delay-mild dysmorphism syndrome. Last evaluated: 2024-08-08. Review status: criteria provided, single submitter. Criteria: ACMG Guidelines, 2015. Collection method: clinical testing. Allele origin: germline. Affected: yes.
Comment: The variant is not observed in the gnomAD v4.0.0 dataset. Predicted Consequence/Location: The majority of the known disease-causing variants of this gene are variants expected to result in premature termination of the protein. Functional studies provide supporting evidence of the variant having a damaging effect on the gene or gene product (PMID: 30385778). In silico tool predictions suggest damaging effect of the variant on gene or gene product [REVEL: 0.84 (>=0.6, sensitivity 0.68 and specificity 0.92); 3Cnet: 0.99 (>=0.6, sensitivity 0.72 and precision 0.9)]. The same nucleotide change resulting in the same amino acid change has been previously reported as pathogenic/likely pathogenic with strong evidence (ClinVar ID: VCV000521111 /PMID: 27657687). The variant has been previously reported as de novo in at least two similarly affected unrelated individuals (PMID: 27657687, 30385778). The variant has been observed in multiple (>3) similarly affected unrelated individuals (PMID: 27657687, 30385778). Therefore, this variant is classified as Pathogenic according to the recommendation of ACMG/AMP guideline.

CeGaT Center for Human Genetics Tuebingen
Classification: Pathogenic. Last evaluated: 2024-08-01. Review status: criteria provided, single submitter. Criteria: CeGaT Center For Human Genetics Tuebingen Variant Classification Criteria Version 2. Collection method: clinical testing. Allele origin: germline. Affected: yes. Observed: 1 variant allele.
Comment: FOXP1: PM6:Strong, PM2, PS4:Moderate, PP2, PP3, PS3:Supporting

Victorian Clinical Genetics Services, Murdoch Childrens Research Institute
Classification: Pathogenic for Intellectual disability-severe speech delay-mild dysmorphism syndrome. Last evaluated: 2023-12-21. Review status: criteria provided, single submitter. Criteria: ACMG Guidelines, 2015. Collection method: clinical testing. Allele origin: germline. Inheritance: Autosomal dominant inheritance. Affected: yes.
Comment: Based on the classification scheme VCGS_Germline_v1.3.4, this variant is classified as Pathogenic. Following criteria are met: 0102 - Loss of function is a known mechanism of disease in this gene and is associated with intellectual developmental disorder with language impairment with or without autistic features (MIM#613670). Dominant-negative is also a suggested disease mechanism (OMIM). (I) 0107 - This gene is associated with autosomal dominant disease. (I) 0200 - Variant is predicted to result in a missense amino acid change from arginine to glutamine. (I) 0251 - This variant is heterozygous. (I) 0301 - Variant is absent from gnomAD (both v2 and v3). (SP) 0501 - Missense variant consistently predicted to be damaging by multiple in silico tools or highly conserved with a major amino acid change. (SP) 0602 - Variant is located in a hotspot region or cluster of pathogenic variants in the forkhead domain (DECIPHER). (SP) 0801 - This variant has strong previous evidence of pathogenicity in unrelated individuals. This variant has been classified as pathogenic or likely pathogenic by multiple clinical laboratories in ClinVar, and has been observed as de novo in at least two individuals with FOXP1-related conditions (PMID: 30385778). (SP) Legend: (SP) - Supporting pathogenic, (I) - Information, (SB) - Supporting benign

Molecular Genetics, Royal Melbourne Hospital
Classification: Pathogenic for Intellectual disability-severe speech delay-mild dysmorphism syndrome. Last evaluated: 2022-08-04. Review status: criteria provided, single submitter. Criteria: ACMG Guidelines, 2015. Collection method: clinical testing. Allele origin: germline. Affected: yes.
Comment: This sequence change in FOXP1 is predicted to replace arginine with glutamine at codon 525, p.(Arg525Gln). The arginine residue is highly conserved (100 vertebrates, UCSC), and is located in Fork-head DNA-binding domain a region, amino acids 465-555, that is defined as a mutational hotspot and critical functional domain (PMID: 31199603). There is a small physicochemical difference between arginine and glutamine. This variant is absent from gnomAD v2.1 and v3.1. This variant has been identified as a de novo occurrence with confirmed parental relationships in one individual and as a de novo occurrence with unconfirmed parental relationships in two individuals with syndromic intellectual disability (PMID: 27657687, 30385778; DECIPHER). This variant has also been reported in an additional four probands with unknown/unconfirmed de novo status and consistent phenotypes resembling FOXP1 syndrome (PMID: 30385778, 34588003; ClinVar: SCV000741551.2, SCV001905601.1). A luciferase assay in HEK293 cells showed diminished transcriptional repression indicating that this variant impacts protein function (PMID: 30385778). Multiple lines of computational evidence predict a deleterious effect for the missense substitution (6/6 algorithms). Based on the classification scheme RMH Modified ACMG Guidelines v1.5.1, this variant is classified as PATHOGENIC. Following criteria are met: PS2/PM6_Strong, PM1, PS3_Supporting, PS4_Supporting, PM2_Supporting, PP3.

GeneDx
Classification: Pathogenic. Last evaluated: 2021-12-30. Review status: criteria provided, single submitter. Criteria: GeneDx Variant Classification Process June 2021. Collection method: clinical testing. Allele origin: germline. Affected: yes.
Comment: Published functional studies suggest a damaging effect (loss of DNA-binding ability) (Johnson et al., 2018); Not observed in large population cohorts (Lek et al., 2016); In silico analysis supports that this missense variant has a deleterious effect on protein structure/function; This variant is associated with the following publications: (PMID: 25326635, 28884888, 27657687, 30385778)

Institute of Medical Genetics and Applied Genomics, University Hospital Tübingen
Classification: Likely pathogenic. Last evaluated: 2021-09-15. Review status: criteria provided, single submitter. Criteria: ACMG Guidelines, 2015. Collection method: clinical testing. Allele origin: germline. Inheritance: Autosomal dominant inheritance. Affected: yes.

Blueprint Genetics
Classification: Pathogenic for FOXP1-related disorders. Last evaluated: 2021-06-22. Review status: criteria provided, single submitter. Criteria: ACMG Guidelines, 2015. Collection method: clinical testing. Allele origin: germline. Affected: yes. Observed: 1 variant allele.

NM_001349338.3(FOXP1):c.1574G>A (p.Arg525Gln)

Gene: FOXP1 (forkhead box P1; minus strand). Cytogenetic location: 3p13.
Variant type: single nucleotide variant.
Coding change: c.1574G>A on transcript NM_001349338.3 (MANE Select); coding-DNA position 1574, G replaced by A.
Protein change: p.Arg525Gln; replaces arginine 525 with glutamine.
Molecular consequence: missense variant. On other transcripts: non-coding transcript variant (2), intron variant (1).
Genome position (GRCh38, 1-based): chr3:70,972,633, C>T on the plus strand (G>A on the coding strand, the complement: FOXP1 is on the minus strand). VCF-style: chr3-70972633-C-T. GRCh37 (hg19) VCF-style: chr3-71021784-C-T.
Other names: c.1574G>A (NM_001349338.1); c.1571G>A, p.Arg524Gln (NM_001244808.3, NM_001349341.3); c.1346G>A, p.Arg449Gln (NM_001244812.3); c.1274G>A, p.Arg425Gln (NM_001244813.3, NM_001244815.2, NM_001349342.3); c.1574G>A, p.Arg525Gln (NM_001244814.3, NM_001244816.2, NM_001349340.3 and 1 more transcripts); c.1271G>A, p.Arg424Gln (NM_001349337.2, NM_001349343.3, NM_001349344.3 and 1 more transcripts); c.1531-453G>A (NM_001244810.2); short protein forms R525Q, R524Q, R424Q, R449Q, R425Q.
Identifiers: ClinVar variation 521111 (VCV000521111.39), dbSNP rs1553663084, ClinGen allele CA353491714.